The following is an entry in ClinVar:

ClinVar aggregate classification (germline): Uncertain significance (1 of 4 stars; one submission).

Conditions:
Cardiovascular phenotype. Identifiers: MedGen CN230736.

gnomAD v4.1: 1 of 1,613,840 alleles (0.000062%); highest among the groups gnomAD compares: South Asian, 0.0011%; no homozygotes.

Submission:

Ambry Genetics
Classification: Uncertain significance for Cardiovascular phenotype. Last evaluated: 2024-12-21. Review status: criteria provided, single submitter. Criteria: Ambry Variant Classification Scheme 2023. Collection method: clinical testing. Allele origin: germline.
Comment: The p.T191R variant (also known as c.572C>G), located in coding exon 5 of the PTPN11 gene, results from a C to G substitution at nucleotide position 572. The threonine at codon 191 is replaced by arginine, an amino acid with similar properties. This amino acid position is conserved. In addition, this alteration is predicted to be deleterious by in silico analysis. Based on the available evidence, the clinical significance of this variant remains unclear.

NM_002834.5(PTPN11):c.572C>G (p.Thr191Arg)

Gene: PTPN11 (protein tyrosine phosphatase non-receptor type 11; plus strand). Cytogenetic location: 12q24.13.
Variant type: single nucleotide variant.
Coding change: c.572C>G on transcript NM_002834.5 (MANE Select); coding-DNA position 572, C replaced by G.
Protein change: p.Thr191Arg; replaces threonine 191 with arginine.
Molecular consequence: missense variant.
Genome position (GRCh38, 1-based): chr12:112,454,610, C>G. VCF-style: chr12-112454610-C-G. GRCh37 (hg19) VCF-style: chr12-112892414-C-G.
Other names: c.572C>G, p.Thr191Arg (NM_001330437.2, NM_080601.3); c.569C>G, p.Thr190Arg (NM_001374625.1); short protein forms T191R, T190R.
Identifiers: ClinVar variation 3784944 (VCV003784944.1).
Genomic context (GRCh38, chr12:112,454,610, plus strand): 5'-GTTTATCTTGAAAGGAACTGAAATACGACGTTGGTGGAGGAGAACGGTTTGATTCTTTGA[C>G]AGATCTTGTGGAACATTATAAGAAGAATCCTATGGTGGAAACATTGGGTACAGTACTACA-3'
Protein context (NP_002825.3, residues 181-201): VGGGERFDSL[Thr191Arg]DLVEHYKKNP